The following is an entry in ClinVar:

NM_019066.5(MAGEL2):c.20A>G (p.Asn7Ser)

Gene: MAGEL2 (MAGE family member L2; minus strand). Cytogenetic location: 15q11.2.
Variant type: single nucleotide variant.
Coding change: c.20A>G on transcript NM_019066.5 (MANE Select); coding-DNA position 20, A replaced by G.
Protein change: p.Asn7Ser; replaces asparagine 7 with serine.
Molecular consequence: missense variant.
Genome position (GRCh38, 1-based): chr15:23,647,723, T>C on the plus strand (A>G on the coding strand, the complement: MAGEL2 is on the minus strand). VCF-style: chr15-23647723-T-C. GRCh37 (hg19) VCF-style: chr15-23892870-T-C.
Other names: short protein forms N7S.
Identifiers: ClinVar variation 4719919 (VCV004719919.1).

ClinVar aggregate classification (germline): Uncertain significance (1 of 4 stars; one submission).

Submission:

Labcorp Genetics (formerly Invitae), Labcorp
Classification: Uncertain significance. Last evaluated: 2025-05-21. Review status: criteria provided, single submitter. Criteria: Invitae Variant Classification Sherloc (09022015). Collection method: clinical testing. Allele origin: germline.
Comment: This sequence change replaces asparagine, which is neutral and polar, with serine, which is neutral and polar, at codon 7 of the MAGEL2 protein (p.Asn7Ser). This variant is not present in population databases (gnomAD no frequency). This variant has not been reported in the literature in individuals affected with MAGEL2-related conditions. An algorithm developed to predict the effect of missense changes on protein structure and function outputs the following: PolyPhen-2: "Not Available". The serine amino acid residue is found in multiple mammalian species, which suggests that this missense change does not adversely affect protein function. In summary, the available evidence is currently insufficient to determine the role of this variant in disease. Therefore, it has been classified as a Variant of Uncertain Significance.